The following is an entry in ClinVar:

NM_000091.5(COL4A3):c.2567G>A (p.Gly856Glu)

Genes: COL4A3 (collagen type IV alpha 3 chain; plus strand), MFF-DT (MFF divergent transcript; minus strand). Cytogenetic location: 2q36.3.
Variant type: single nucleotide variant.
Coding change: c.2567G>A on transcript NM_000091.5 (MANE Select); coding-DNA position 2567, G replaced by A.
Protein change: p.Gly856Glu; replaces glycine 856 with glutamic acid.
Molecular consequence: missense variant.
Genome position (GRCh38, 1-based): chr2:227,282,443, G>A. VCF-style: chr2-227282443-G-A. GRCh37 (hg19) VCF-style: chr2-228147159-G-A.
Other names: p.(Gly856Glu); short protein forms G856E.
Identifiers: ClinVar variation 4853856 (VCV004853856.1).

ClinVar aggregate classification (germline): Likely pathogenic (1 of 4 stars; one submission).

Conditions:
Autosomal dominant Alport syndrome (ATS3A). Also called: ALPORT SYNDROME 3A, AUTOSOMAL DOMINANT; Alport syndrome dominant type; Renal failure and sensorineural hearing loss. Identifiers: Orphanet 63, Orphanet 88918, MedGen C5882663, MONDO:0007086, OMIM 104200.

Submission:

Centre de Génétique Humaine, Institut de Pathologie Et de Génétique
Classification: Likely pathogenic for Autosomal dominant Alport syndrome. Last evaluated: 2026-03-12. Review status: criteria provided, single submitter. Criteria: ACMG Guidelines, 2015. Collection method: clinical testing. Allele origin: germline. Inheritance: Autosomal dominant inheritance. Affected: yes. Observed: 1 variant allele, 1 heterozygote. Segregation with disease not observed.
Comment: This missense variant involves a highly conserved glycine located in a ‘Gly-X-Y’ motif in collagenous region, which is characteristic of the pathogenic variants identified in the COL4A3 gene (PM1,PP2). This variant is rare: absent in gnomAD v4.1.0 database (PM2); In silico analysis supports that this missense variant has a deleterious effect (PP3). Another missense variant affecting the same residue described : c.2567G>T p.Gly856Val décrit: PMID: 40282368 (PM5).

Literature cited by the submitters: PubMed 24052634.